The following is an entry in ClinVar:

ClinVar aggregate classification (germline): Likely benign (1 of 4 stars; one submission).

Conditions:
Catecholaminergic polymorphic ventricular tachycardia (CVPT). Also called: Catecholamine-induced polymorphic ventricular tachycardia. Identifiers: Orphanet 3286, MedGen C5574922, MONDO:0017990.

gnomAD v4.1: 7 of 1,613,658 alleles (0.00043%); highest among the groups gnomAD compares: Admixed American, 0.012%; no homozygotes.

Submission:

All of Us Research Program, National Institutes of Health
Classification: Likely benign for Catecholaminergic polymorphic ventricular tachycardia. Last evaluated: 2024-06-17. Review status: criteria provided, single submitter. Criteria: ACMG Guidelines, 2015. Collection method: clinical testing. Allele origin: germline. Inheritance: Autosomal dominant inheritance. Observed: 1 variant allele, 1 heterozygote.
Comment: This study involves interpretation of variants in research participants for the purpose of population health screening. Participant phenotype was not available at the time of variant classification. Additional details can be found in publication PMID: 35346344, PMCID: PMC8962531

NM_001035.3(RYR2):c.3579G>A (p.Lys1193=)

Gene: RYR2 (ryanodine receptor 2; plus strand). Cytogenetic location: 1q43.
Variant type: single nucleotide variant.
Coding change: c.3579G>A on transcript NM_001035.3 (MANE Select); coding-DNA position 3579, G replaced by A.
Protein change: p.Lys1193=; no amino-acid change (lysine 1193 retained).
Molecular consequence: synonymous variant.
Genome position (GRCh38, 1-based): chr1:237,569,300, G>A. VCF-style: chr1-237569300-G-A. GRCh37 (hg19) VCF-style: chr1-237732600-G-A.
Identifiers: ClinVar variation 3385710 (VCV003385710.1).